The following is an entry in ClinVar:

NM_001145373.3(OTUD1):c.84C>T (p.Ala28=)

Genes: OTUD1 (OTU deubiquitinase 1; plus strand), LOC130003513 (ATAC-STARR-seq lymphoblastoid silent region 2218; plus strand). Cytogenetic location: 10p12.2.
Variant type: single nucleotide variant.
Coding change: c.84C>T on transcript NM_001145373.3 (MANE Select); coding-DNA position 84, C replaced by T.
Protein change: p.Ala28=; no amino-acid change (alanine 28 retained).
Molecular consequence: synonymous variant.
Genome position (GRCh38, 1-based): chr10:23,439,541, C>T. VCF-style: chr10-23439541-C-T. GRCh37 (hg19) VCF-style: chr10-23728470-C-T.
Identifiers: ClinVar variation 3037482 (VCV003037482.2), dbSNP rs147006133, ClinGen allele CA5438939.

ClinVar aggregate classification (germline): Benign (0 of 4 stars; one submission).

Conditions:
OTUD1-related disorder. Also called: OTUD1-related condition.

Allele frequency attached by ClinVar (database versions not stated): 1000 Genomes Project 0.00799; gnomAD 0.00833; 1000 Genomes Project 30x 0.00874; ExAC 0.01289.
gnomAD v4.1: 11,663 of 1,380,678 alleles (0.84%); highest among the groups gnomAD compares: Middle Eastern, 5.7%; 99 homozygotes.

Submission:

PreventionGenetics, part of Exact Sciences
Classification: Benign for OTUD1-related condition. Last evaluated: 2019-04-12. Review status: no assertion criteria provided. Collection method: clinical testing. Allele origin: germline.
Comment: This variant is classified as benign based on ACMG/AMP sequence variant interpretation guidelines (Richards et al. 2015 PMID: 25741868, with internal and published modifications).